The following is an entry in ClinVar:

ClinVar aggregate classification (germline): Uncertain significance. Review status: criteria provided, multiple submitters, no conflicts (2 of 4 stars). 2 submissions from 2 submitters: Uncertain significance (2). Last evaluated 2025-12-15.

Conditions:
GJB6-related disorder. Also called: GJB6-related disorders.
Autosomal recessive nonsyndromic hearing loss 1A (DFNB1A). Also called: GJB6-Related DFNB 1 Nonsyndromic Hearing Loss and Deafness; Deafness, autosomal recessive 1A; Nonsyndromic Hearing Loss and Deafness, DFNB1; Connexin 26 deafness; Deafness nonsyndromic, Connexin 26 linked; GJB2-Related Autosomal Recessive Nonsyndromic Hearing Loss. Identifiers: Orphanet 90636, MedGen C2673759, MONDO:0009076, OMIM 220290.
Autosomal dominant nonsyndromic hearing loss 3B. Identifiers: Orphanet 90635, MedGen C2675237, MONDO:0012975, OMIM 612643.
Hidrotic ectodermal dysplasia syndrome (GJB6). Also called: Hidrotic ectodermal dysplasia; ECTODERMAL DYSPLASIA 2, CLOUSTON TYPE; Ectodermal dysplasia 2, hidrotic; Autosomal dominant hidrotic ectodermal dysplasia; Clouston syndrome; Clouston's hidrotic ectodermal dysplasia. Identifiers: Orphanet 189, MedGen C0162361, MONDO:0007510, OMIM 129500.
Autosomal recessive nonsyndromic hearing loss 1B. Also called: DEAFNESS, AUTOSOMAL RECESSIVE 1B. Identifiers: Orphanet 90636, MedGen C2675235, MONDO:0012977, OMIM 612645.

Allele frequency attached by ClinVar (database versions not stated): gnomAD exomes 0.00003; TOPMed 0.00003; gnomAD 0.00004; ExAC 0.00007.
gnomAD v4.1: 52 of 1,613,832 alleles (0.0032%); highest among the groups gnomAD compares: East Asian, 0.0067%; no homozygotes.

Submissions (2):

Labcorp Genetics (formerly Invitae), Labcorp
Classification: Uncertain significance for Autosomal dominant nonsyndromic hearing loss 3B; Hidrotic ectodermal dysplasia syndrome; Autosomal recessive nonsyndromic hearing loss 1B; Autosomal recessive nonsyndromic hearing loss 1A. Last evaluated: 2025-12-15. Review status: criteria provided, single submitter. Criteria: Invitae Variant Classification Sherloc (09022015). Collection method: clinical testing. Allele origin: germline.
Comment: This sequence change replaces arginine, which is basic and polar, with glutamine, which is neutral and polar, at codon 127 of the GJB6 protein (p.Arg127Gln). This variant is present in population databases (rs754202125, gnomAD 0.009%). This variant has not been reported in the literature in individuals affected with GJB6-related conditions. ClinVar contains an entry for this variant (Variation ID: 2952945). Invitae Evidence Modeling of protein sequence and biophysical properties (such as structural, functional, and spatial information, amino acid conservation, physicochemical variation, residue mobility, and thermodynamic stability) indicates that this missense variant is not expected to disrupt GJB6 protein function with a negative predictive value of 80%. In summary, the available evidence is currently insufficient to determine the role of this variant in disease. Therefore, it has been classified as a Variant of Uncertain Significance.

PreventionGenetics, part of Exact Sciences
Classification: Uncertain significance for GJB6-related condition. Last evaluated: 2025-06-18. Review status: criteria provided, single submitter. Criteria: ACMG Guidelines, 2015. Collection method: clinical testing. Allele origin: germline.
Comment: The GJB6 c.380G>A variant is predicted to result in the amino acid substitution p.Arg127Gln. To our knowledge, this variant has not been reported in the literature. This variant is reported in 0.0085% of alleles in individuals of European (Non-Finnish) descent in gnomAD. At this time, the clinical significance of this variant is uncertain due to the absence of conclusive functional and genetic evidence.

NM_001110219.3(GJB6):c.380G>A (p.Arg127Gln)

Gene: GJB6 (gap junction protein beta 6; minus strand). Cytogenetic location: 13q12.11.
Variant type: single nucleotide variant.
Coding change: c.380G>A on transcript NM_001110219.3 (MANE Select); coding-DNA position 380, G replaced by A.
Protein change: p.Arg127Gln; replaces arginine 127 with glutamine.
Molecular consequence: missense variant.
Genome position (GRCh38, 1-based): chr13:20,223,101, C>T on the plus strand (G>A on the coding strand, the complement: GJB6 is on the minus strand). VCF-style: chr13-20223101-C-T. GRCh37 (hg19) VCF-style: chr13-20797240-C-T.
Other names: c.380G>A, p.Arg127Gln (NM_001110220.3, NM_001110221.3, NM_001370090.1 and 3 more transcripts); c.380G>A (NM_001110219.2); short protein forms R127Q.
Identifiers: ClinVar variation 2952945 (VCV002952945.4), dbSNP rs754202125, ClinGen allele CA6904451.